The following is an entry in ClinVar:

ClinVar aggregate classification (germline): Likely pathogenic (1 of 4 stars; one submission).

gnomAD v4.1: 1 of 1,602,026 alleles (0.000062%); highest among the groups gnomAD compares: East Asian, 0.0022%; no homozygotes.

Submission:

Labcorp Genetics (formerly Invitae), Labcorp
Classification: Likely pathogenic. Last evaluated: 2025-09-29. Review status: criteria provided, single submitter. Criteria: Invitae Variant Classification Sherloc (09022015). Collection method: clinical testing. Allele origin: germline.
Comment: This sequence change affects an acceptor splice site in intron 54 of the HERC1 gene. It is expected to disrupt RNA splicing. Variants that disrupt the donor or acceptor splice site typically lead to a loss of protein function (PMID: 16199547), and loss-of-function variants in HERC1 are known to be pathogenic (PMID: 26138117, 26153217, 27108999). This variant is not present in population databases (gnomAD no frequency). This variant has not been reported in the literature in individuals affected with HERC1-related conditions. Algorithms developed to predict the effect of sequence changes on RNA splicing suggest that this variant may disrupt the consensus splice site. In summary, the currently available evidence indicates that the variant is pathogenic, but additional data are needed to prove that conclusively. Therefore, this variant has been classified as Likely Pathogenic.

Literature cited by the submitters: PubMed 16199547; PubMed 26138117; PubMed 26153217; PubMed 27108999.

NM_003922.4(HERC1):c.10748-2A>G

Gene: HERC1 (HECT and RLD domain containing E3 ubiquitin protein ligase family member 1; minus strand). Cytogenetic location: 15q22.31.
Variant type: single nucleotide variant.
Coding change: c.10748-2A>G on transcript NM_003922.4 (MANE Select); the canonical splice acceptor site of the intron before coding-DNA position 10748, A replaced by G.
Molecular consequence: splice acceptor variant.
Genome position (GRCh38, 1-based): chr15:63,648,201, T>C on the plus strand (A>G on the coding strand, the complement: HERC1 is on the minus strand). VCF-style: chr15-63648201-T-C. GRCh37 (hg19) VCF-style: chr15-63940400-T-C.
Identifiers: ClinVar variation 4726732 (VCV004726732.1).